The following is an entry in ClinVar:

ClinVar aggregate classification (germline): Uncertain significance (1 of 4 stars; one submission).

gnomAD v4.1: 8 of 1,607,466 alleles (0.0005%); highest among the groups gnomAD compares: Non-Finnish European, 0.00068%; no homozygotes.

Submission:

Labcorp Genetics (formerly Invitae), Labcorp
Classification: Uncertain significance. Last evaluated: 2025-12-28. Review status: criteria provided, single submitter. Criteria: Invitae Variant Classification Sherloc (09022015). Collection method: clinical testing. Allele origin: germline.
Comment: This sequence change replaces asparagine, which is neutral and polar, with lysine, which is basic and polar, at codon 533 of the JAK2 protein (p.Asn533Lys). This variant is not present in population databases (gnomAD no frequency). This variant has not been reported in the literature in individuals affected with JAK2-related conditions. Invitae Evidence Modeling of protein sequence and biophysical properties (such as structural, functional, and spatial information, amino acid conservation, physicochemical variation, residue mobility, and thermodynamic stability) indicates that this missense variant is not expected to disrupt JAK2 protein function with a negative predictive value of 80%. In summary, the available evidence is currently insufficient to determine the role of this variant in disease. Therefore, it has been classified as a Variant of Uncertain Significance.

NM_004972.4(JAK2):c.1599C>G (p.Asn533Lys)

Genes: INSL6 (insulin like 6; minus strand), JAK2 (Janus kinase 2; plus strand). Cytogenetic location: 9p24.1.
Variant type: single nucleotide variant.
Coding change: c.1599C>G on transcript NM_004972.4 (MANE Select); coding-DNA position 1599, C replaced by G.
Protein change: p.Asn533Lys; replaces asparagine 533 with lysine.
Molecular consequence: missense variant. On other transcripts: non-coding transcript variant (2).
Genome position (GRCh38, 1-based): chr9:5,070,010, C>G. VCF-style: chr9-5070010-C-G. GRCh37 (hg19) VCF-style: chr9-5070010-C-G.
Other names: c.1599C>G, p.Asn533Lys (NM_001322194.2, NM_001322195.2, NM_001322196.2); c.384C>G, p.Asn128Lys (NM_001322198.2, NM_001322199.2); c.1152C>G, p.Asn384Lys (NM_001322204.2); short protein forms N128K, N384K, N533K.
Identifiers: ClinVar variation 4698939 (VCV004698939.1).